The following is an entry in ClinVar:

ClinVar aggregate classification (germline): Likely pathogenic (1 of 4 stars; one submission).

Conditions:
Intellectual developmental disorder, autosomal recessive 65. Also called: Intellectual disability, autosomal recessive 65; MENTAL RETARDATION, AUTOSOMAL RECESSIVE 65. Identifiers: MedGen C4748219, MONDO:0020850, OMIM 618109.

Submission:

3billion
Classification: Likely pathogenic for Intellectual developmental disorder, autosomal recessive 65. Last evaluated: 2023-02-23. Review status: criteria provided, single submitter. Criteria: ACMG Guidelines, 2015. Collection method: clinical testing. Allele origin: unknown. Affected: yes.
Comment: The variant is not observed in the gnomAD v2.1.1 dataset. This variant was predicted to result in a loss or disruption of normal protein function through nonsense-mediated decay (NMD) or protein truncation. Multiple pathogenic variants are reported downstream of the variant. Therefore, this variant is classified as Likely pathogenic according to the recommendation of ACMG/AMP guideline.

NM_006618.5(KDM5B):c.3635del (p.Gly1212fs)

Gene: KDM5B (lysine demethylase 5B; minus strand). Cytogenetic location: 1q32.1.
Variant type: Deletion.
Coding change: c.3635del on transcript NM_006618.5 (MANE Select); coding-DNA position 3635, one base deleted (G; older notation c.3635delG).
Protein change: p.Gly1212fs; shifts the reading frame from glycine 1212.
Molecular consequence: frameshift variant.
Genome position (GRCh38, 1-based): chr1:202,733,675, C deleted on the plus strand (G on the coding strand, the reverse complement: KDM5B is on the minus strand); the first of 3 consecutive C bases (chr1:202,733,675-202,733,677); deleting any one gives the same sequence. VCF-style (leftmost placement, unchanged base first): chr1-202733674-GC-G. GRCh37 (hg19) VCF-style: chr1-202702802-GC-G.
Other names: c.3743del, p.Gly1248fs (NM_001314042.2); c.3500del, p.Gly1167fs (NM_001347591.2); c.3620del, p.Gly1207fs (NM_001399817.1); short protein forms G1167fs, G1207fs, G1212fs, G1248fs.
Identifiers: ClinVar variation 2444377 (VCV002444377.1), dbSNP rs2527411037, ClinGen allele CA2580061897.
Genomic context (GRCh38, chr1:202,733,674, plus strand): 5'-AATTTTCTCTAATGGAGGTTTCTCTGACCTCCGACAATGGGGACAAAGCCAGATTCGCAG[GC>G]CCTGTGAAATACTGGGTACCGCCACACAACTGGTGTGGAAAGCATCCCTGCAGAGTTCAC-3'